The following is an entry in ClinVar:

NM_005327.7(HADH):c.325G>A (p.Val109Ile)

Gene: HADH (hydroxyacyl-CoA dehydrogenase; plus strand). Cytogenetic location: 4q25.
Variant type: single nucleotide variant.
Coding change: c.325G>A on transcript NM_005327.7 (MANE Select); coding-DNA position 325, G replaced by A.
Protein change: p.Val109Ile; replaces valine 109 with isoleucine.
Molecular consequence: missense variant.
Genome position (GRCh38, 1-based): chr4:108,014,494, G>A. VCF-style: chr4-108014494-G-A. GRCh37 (hg19) VCF-style: chr4-108935650-G-A.
Other names: c.325G>A, p.Val109Ile (NM_001184705.4); c.337G>A, p.Val113Ile (NM_001331027.2); c.325G>A (NM_001184705.2); short protein forms V113I, V109I.
Identifiers: ClinVar variation 1517115 (VCV001517115.8), dbSNP rs199810422, ClinGen allele CA3037432.

ClinVar aggregate classification (germline): Uncertain significance. Review status: criteria provided, multiple submitters, no conflicts (2 of 4 stars). 3 submissions from 3 submitters: Uncertain significance (3). Last evaluated 2025-09-08.

Conditions:
HADH-related disorder. Also called: HADH-related condition.
Deficiency of 3-hydroxyacyl-CoA dehydrogenase. Also called: HADH DEFICIENCY; 3-hydroxyacyl-CoA dehydrogenase deficiency. Identifiers: Orphanet 309127, Orphanet 71212, MedGen C1291230, MONDO:0017715, OMIM 231530.

Allele frequency attached by ClinVar (database versions not stated): ExAC 0.00003; gnomAD 0.00003; gnomAD exomes 0.00003 and 0.00004; TOPMed 0.00004; 1000 Genomes Project 30x 0.00016; 1000 Genomes Project 0.00020.
gnomAD v4.1: 48 of 1,614,092 alleles (0.003%); highest among the groups gnomAD compares: Admixed American, 0.005%; no homozygotes.

Submissions (3):

Clinical Genomics Laboratory, Washington University in St. Louis
Classification: Uncertain significance for Deficiency of 3-hydroxyacyl-CoA dehydrogenase. Last evaluated: 2025-09-08. Review status: criteria provided, single submitter. Criteria: ACMG Guidelines, 2015. Collection method: clinical testing. Allele origin: germline.
Comment: The HADH c.325G>A (p.Val109Ile) variant, to our knowledge, has not been reported in the medical literature. This variant is only observed on 48/1,614,092 alleles in the general population (gnomAD v.4.1.0), indicating it is not a common variant. Computational predictors are uncertain as to the impact of this variant on HADH function. Due to limited information, and based on ACMG/AMP guidelines for variant interpretation (Richards S et al., PMID: 25741868), the clinical significance of this variant is uncertain at this time.

Labcorp Genetics (formerly Invitae), Labcorp
Classification: Uncertain significance for Deficiency of 3-hydroxyacyl-CoA dehydrogenase. Last evaluated: 2025-03-13. Review status: criteria provided, single submitter. Criteria: Invitae Variant Classification Sherloc (09022015). Collection method: clinical testing. Allele origin: germline.
Comment: This sequence change replaces valine, which is neutral and non-polar, with isoleucine, which is neutral and non-polar, at codon 109 of the HADH protein (p.Val109Ile). This variant is present in population databases (rs199810422, gnomAD 0.009%). This variant has not been reported in the literature in individuals affected with HADH-related conditions. ClinVar contains an entry for this variant (Variation ID: 1517115). An algorithm developed to predict the effect of missense changes on protein structure and function (PolyPhen-2) suggests that this variant is likely to be tolerated. In summary, the available evidence is currently insufficient to determine the role of this variant in disease. Therefore, it has been classified as a Variant of Uncertain Significance.

PreventionGenetics, part of Exact Sciences
Classification: Uncertain significance for HADH-related condition. Last evaluated: 2024-12-21. Review status: criteria provided, single submitter. Criteria: ACMG Guidelines, 2015. Collection method: clinical testing. Allele origin: germline.
Comment: The HADH c.325G>A variant is predicted to result in the amino acid substitution p.Val109Ile. To our knowledge, this variant has not been reported in individuals with HADH-related disease. This variant is reported in 0.0087% of alleles in individuals of Latino descent in gnomAD. At this time, the clinical significance of this variant is uncertain due to the absence of conclusive functional and genetic evidence.